The following is an entry in ClinVar:

NM_194454.3(KRIT1):c.1146+3A>G

Gene: KRIT1 (KRIT1 ankyrin repeat containing; minus strand). Cytogenetic location: 7q21.2.
Variant type: single nucleotide variant.
Coding change: c.1146+3A>G on transcript NM_194454.3 (MANE Select); 3 bases into the intron after coding-DNA position 1146, A replaced by G.
Molecular consequence: intron variant.
Genome position (GRCh38, 1-based): chr7:92,226,523, T>C on the plus strand (A>G on the coding strand, the complement: KRIT1 is on the minus strand). VCF-style: chr7-92226523-T-C. GRCh37 (hg19) VCF-style: chr7-91855837-T-C.
Other names: p.?; c.1146+3A>G (NM_001350672.1, NM_001350676.1, NM_001350673.1 and 26 more transcripts); c.1002+3A>G (NM_001350669.1, NM_001013406.2, NM_001350670.1); c.432+3A>G (NM_001350671.1).
Identifiers: ClinVar variation 4541301 (VCV004541301.1).
Genomic context (GRCh38, chr7:92,226,523, plus strand): 5'-TAGTGTCATTACTTGTTATTCACTGCTTGAATATTATTTTTAAAAACCTGGAAAATAACT[T>C]ACTCTATCCGTTTCTGGGTGGTTTAGGAGAATCTGTACTATTTCAGCATGTCCTCCTCCA-3'

ClinVar aggregate classification (germline): Uncertain significance (1 of 4 stars; one submission).

gnomAD v4.1: 2 of 1,606,494 alleles (0.00012%); highest among the groups gnomAD compares: Non-Finnish European, 0.00017%; no homozygotes.

Submission:

Mayo Clinic Laboratories, Mayo Clinic
Classification: Uncertain significance. Last evaluated: 2025-10-30. Review status: criteria provided, single submitter. Criteria: ACMG Guidelines, 2015. Collection method: clinical testing. Allele origin: germline. Observed: 1 variant allele.
Comment: PM2_supporting